The following is an entry in ClinVar:

NM_000525.4(KCNJ11):c.974G>C (p.Arg325Pro)

Gene: KCNJ11 (potassium inwardly rectifying channel subfamily J member 11; minus strand). Cytogenetic location: 11p15.1.
Variant type: single nucleotide variant.
Coding change: c.974G>C on transcript NM_000525.4 (MANE Select); coding-DNA position 974, G replaced by C.
Protein change: p.Arg325Pro; replaces arginine 325 with proline.
Molecular consequence: missense variant.
Genome position (GRCh38, 1-based): chr11:17,387,118, C>G on the plus strand (G>C on the coding strand, the complement: KCNJ11 is on the minus strand). VCF-style: chr11-17387118-C-G. GRCh37 (hg19) VCF-style: chr11-17408665-C-G.
Other names: c.713G>C, p.Arg238Pro (NM_001166290.2, NM_001377296.1, NM_001377297.1); short protein forms R238P, R325P.
Identifiers: ClinVar variation 5041003 (VCV005041003.1).

ClinVar aggregate classification (germline): Uncertain significance (1 of 4 stars; one submission).

Submission:

CeGaT Center for Human Genetics Tuebingen
Classification: Uncertain significance. Last evaluated: 2026-09-01. Review status: criteria provided, single submitter. Criteria: CeGaT Center For Human Genetics Tuebingen Variant Classification Criteria Version 2. Collection method: clinical testing. Allele origin: germline. Affected: yes. Observed: 1 variant allele.
Comment: KCNJ11: PM2, PP4